The following is an entry in ClinVar:

ClinVar aggregate classification (germline): Uncertain significance. Review status: criteria provided, multiple submitters, no conflicts (2 of 4 stars). 2 submissions from 2 submitters: Uncertain significance (2). Last evaluated 2023-08-14.

Conditions:
Developmental and epileptic encephalopathy, 1 (DEE1). Also called: X-linked infantile spasms; West's syndrome; Tonic spasms with clustering, arrest of psychomotor development and hypsarrhythmia on EEG; X-Linked Infantile Spasm Syndrome; OHTAHARA SYNDROME, X-LINKED; INFANTILE SPASM SYNDROME, X-LINKED 1. Identifiers: MedGen C3463992, MONDO:0010632, OMIM 308350. Disease mechanism: loss of function.
Autosomal recessive spinocerebellar ataxia 12. Also called: SPINOCEREBELLAR ATAXIA WITH MENTAL RETARDATION AND EPILEPSY. Identifiers: Orphanet 284282, MedGen C3280452, MONDO:0013687, OMIM 614322.

Allele frequency attached by ClinVar (database versions not stated): gnomAD exomes 0.00001; TOPMed 0.00001; gnomAD 0.00001.
gnomAD v4.1: 17 of 1,614,092 alleles (0.0011%); highest among the groups gnomAD compares: Admixed American, 0.005%; no homozygotes.

Submissions (2):

GeneDx
Classification: Uncertain significance. Last evaluated: 2023-08-14. Review status: criteria provided, single submitter. Criteria: GeneDx Variant Classification Process June 2021. Collection method: clinical testing. Allele origin: germline. Affected: yes.
Comment: Not observed at significant frequency in large population cohorts (gnomAD); In silico analysis supports that this missense variant has a deleterious effect on protein structure/function; Has not been previously published as pathogenic or benign to our knowledge; This variant is associated with the following publications: (PMID: 25411445)

Labcorp Genetics (formerly Invitae), Labcorp
Classification: Uncertain significance for Developmental and epileptic encephalopathy, 1; Autosomal recessive spinocerebellar ataxia 12. Last evaluated: 2021-08-28. Review status: criteria provided, single submitter. Criteria: Invitae Variant Classification Sherloc (09022015). Collection method: clinical testing. Allele origin: germline.

NM_016373.4(WWOX):c.887C>G (p.Ser296Cys)

Gene: WWOX (WW domain containing oxidoreductase; plus strand). Cytogenetic location: 16q23.1.
Variant type: single nucleotide variant.
Coding change: c.887C>G on transcript NM_016373.4 (MANE Select); coding-DNA position 887, C replaced by G.
Protein change: p.Ser296Cys; replaces serine 296 with cysteine.
Molecular consequence: missense variant.
Genome position (GRCh38, 1-based): chr16:78,432,583, C>G. VCF-style: chr16-78432583-C-G. GRCh37 (hg19) VCF-style: chr16-78466480-C-G.
Other names: c.548C>G, p.Ser183Cys (NM_001291997.2); c.887C>G (NM_016373.2); short protein forms S183C, S296C.
Identifiers: ClinVar variation 644425 (VCV000644425.5), dbSNP rs1385421754, ClinGen allele CA396843215.